The following is an entry in ClinVar:

ClinVar aggregate classification (germline): Pathogenic (1 of 4 stars; one submission).

Conditions:
Familial adenomatous polyposis 2. Also called: FAP type 2; COLORECTAL ADENOMATOUS POLYPOSIS, AUTOSOMAL RECESSIVE; ADENOMAS, MULTIPLE COLORECTAL, AUTOSOMAL RECESSIVE; MYH-associated polyposis; Adenomas, multiple colorectal; MUTYH-associated polyposis. Identifiers: Orphanet 220460, Orphanet 247798, MedGen C3272841, MONDO:0012041, OMIM 608456.

Submission:

Labcorp Genetics (formerly Invitae), Labcorp
Classification: Pathogenic for Familial adenomatous polyposis 2. Last evaluated: 2024-04-03. Review status: criteria provided, single submitter. Criteria: Invitae Variant Classification Sherloc (09022015). Collection method: clinical testing. Allele origin: germline.
Comment: This sequence change creates a premature translational stop signal (p.Ser225Leufs*15) in the MUTYH gene. It is expected to result in an absent or disrupted protein product. Loss-of-function variants in MUTYH are known to be pathogenic (PMID: 18534194, 20663686). This variant is not present in population databases (gnomAD no frequency). This variant has not been reported in the literature in individuals affected with MUTYH-related conditions. Algorithms developed to predict the effect of sequence changes on RNA splicing suggest that this variant may disrupt the consensus splice site. For these reasons, this variant has been classified as Pathogenic.

Literature cited by the submitters: PubMed 18534194; PubMed 20663686.

NM_001048174.2(MUTYH):c.588del (p.Ser197fs)

Gene: MUTYH (mutY DNA glycosylase; minus strand). Cytogenetic location: 1p34.1.
Variant type: Deletion.
Coding change: c.588del on transcript NM_001048174.2 (MANE Select); coding-DNA position 588, one base deleted (C; older notation c.588delC).
Protein change: p.Ser197fs; shifts the reading frame from serine 197.
Molecular consequence: frameshift variant. On other transcripts: non-coding transcript variant (7).
Genome position (GRCh38, 1-based): chr1:45,332,592, G deleted on the plus strand (C on the coding strand, the reverse complement: MUTYH is on the minus strand); the first of 2 consecutive G bases (chr1:45,332,592-45,332,593); deleting either gives the same sequence. VCF-style (leftmost placement, unchanged base first): chr1-45332591-AG-A. GRCh37 (hg19) VCF-style: chr1-45798263-AG-A.
Other names: c.588del, p.Ser197fs (NM_001048171.2, NM_001048173.2, NM_001293195.2 and 6 more transcripts); c.591del, p.Ser198fs (NM_001048172.2, NM_001407071.1, NM_001407078.1 and 1 more transcripts); c.672del, p.Ser225fs (NM_001128425.2); c.633del, p.Ser212fs (NM_001293190.2); c.621del, p.Ser208fs (NM_001293191.2, NM_001407069.1, NM_001407077.1); c.312del, p.Ser105fs (NM_001293192.2, NM_001293196.2, NM_001407091.1); c.243del, p.Ser82fs (NM_001350650.2, NM_001350651.2, NM_001407082.1); c.504del, p.Ser169fs (NM_001407075.1); and 5 more; short protein forms S183fs, S184fs, S82fs, S197fs, S211fs, S222fs, S208fs, S225fs.
Identifiers: ClinVar variation 3648629 (VCV003648629.2).